The following is an entry in ClinVar:

NM_001122769.3(LCA5):c.1581C>G (p.Ile527Met)

Gene: LCA5 (lebercilin LCA5; minus strand). Cytogenetic location: 6q14.1.
Variant type: single nucleotide variant.
Coding change: c.1581C>G on transcript NM_001122769.3 (MANE Select); coding-DNA position 1581, C replaced by G.
Protein change: p.Ile527Met; replaces isoleucine 527 with methionine.
Molecular consequence: missense variant.
Genome position (GRCh38, 1-based): chr6:79,487,517, G>C on the plus strand (C>G on the coding strand, the complement: LCA5 is on the minus strand). VCF-style: chr6-79487517-G-C. GRCh37 (hg19) VCF-style: chr6-80197234-G-C.
Other names: c.1581C>G, p.Ile527Met (NM_181714.4); short protein forms I527M.
Identifiers: ClinVar variation 971860 (VCV000971860.6), dbSNP rs760574956, ClinGen allele CA3900803.

ClinVar aggregate classification (germline): Uncertain significance. Review status: criteria provided, multiple submitters, no conflicts (2 of 4 stars). 4 submissions from 4 submitters: Uncertain significance (3). 1 of the submissions does not count toward it. Last evaluated 2025-08-02.

Conditions:
Inborn genetic diseases. Identifiers: MedGen C0950123, MeSH D030342.
Leber congenital amaurosis 5 (LCA5). Also called: Amaurosis congenita of Leber, type 5. Identifiers: Orphanet 65, MedGen C1858301, MONDO:0011473, OMIM 604537.

Allele frequency attached by ClinVar (database versions not stated): TOPMed 0.00001; gnomAD 0.00002.
gnomAD v4.1: 29 of 1,614,056 alleles (0.0018%); highest among the groups gnomAD compares: Middle Eastern, 0.049%; no homozygotes.

Submissions (4):

Ambry Genetics
Classification: Uncertain significance for Inborn genetic diseases. Last evaluated: 2025-08-02. Review status: criteria provided, single submitter. Criteria: Ambry Variant Classification Scheme 2023. Collection method: clinical testing. Allele origin: germline.

Blueprint Genetics
Classification: Uncertain significance. Last evaluated: 2022-11-30. Review status: criteria provided, single submitter. Criteria: ACMG Guidelines, 2015. Collection method: clinical testing. Allele origin: germline.

Labcorp Genetics (formerly Invitae), Labcorp
Classification: Uncertain significance. Last evaluated: 2022-05-03. Review status: criteria provided, single submitter. Criteria: Invitae Variant Classification Sherloc (09022015). Collection method: clinical testing. Allele origin: germline.
Comment: This sequence change replaces isoleucine, which is neutral and non-polar, with methionine, which is neutral and non-polar, at codon 527 of the LCA5 protein (p.Ile527Met). This variant is present in population databases (rs760574956, gnomAD 0.01%). This variant has not been reported in the literature in individuals affected with LCA5-related conditions. ClinVar contains an entry for this variant (Variation ID: 971860). Algorithms developed to predict the effect of missense changes on protein structure and function output the following: SIFT: "Tolerated"; PolyPhen-2: "Benign"; Align-GVGD: "Class C0". The methionine amino acid residue is found in multiple mammalian species, which suggests that this missense change does not adversely affect protein function. In summary, the available evidence is currently insufficient to determine the role of this variant in disease. Therefore, it has been classified as a Variant of Uncertain Significance.

Natera, Inc.
Classification: Uncertain significance for Leber congenital amaurosis type 5. Last evaluated: 2020-03-10. Review status: no assertion criteria provided. Collection method: clinical testing. Allele origin: germline. Not counted in ClinVar's aggregate classification.